The following is an entry in ClinVar:

NM_006996.3(SLC19A2):c.484C>T (p.Arg162Ter)

Gene: SLC19A2 (solute carrier family 19 member 2; minus strand). Cytogenetic location: 1q24.2.
Variant type: single nucleotide variant.
Coding change: c.484C>T on transcript NM_006996.3 (MANE Select); coding-DNA position 484, C replaced by T.
Protein change: p.Arg162Ter; replaces arginine 162 with a stop codon.
Molecular consequence: nonsense. On other transcripts: intron variant (1).
Genome position (GRCh38, 1-based): chr1:169,477,478, G>A on the plus strand (C>T on the coding strand, the complement: SLC19A2 is on the minus strand). VCF-style: chr1-169477478-G-A. GRCh37 (hg19) VCF-style: chr1-169446716-G-A.
Other names: c.205-7292C>T (NM_001319667.1); short protein forms R162*.
Identifiers: ClinVar variation 5955 (VCV000005955.7), dbSNP rs74315373, ClinGen allele CA253656.

ClinVar aggregate classification (germline): Pathogenic. Review status: criteria provided, multiple submitters, no conflicts (2 of 4 stars). 5 submissions from 5 submitters: Pathogenic (4). 1 of the submissions does not count toward it. Last evaluated 2025-02-10.

Conditions:
SLC19A2-related disorder. Also called: SLC19A2-related condition.
Megaloblastic anemia, thiamine-responsive, with diabetes mellitus and sensorineural deafness (TRMA). Also called: THIAMINE METABOLISM DYSFUNCTION SYNDROME 1 (MEGALOBLASTIC ANEMIA, DIABETES MELLITUS, AND DEAFNESS TYPE); ROGERS SYNDROME; THIAMINE-RESPONSIVE ANEMIA SYNDROME; THIAMINE-RESPONSIVE MYELODYSPLASIA; Thiamine-Responsive Megaloblastic Anemia Syndrome. Identifiers: Orphanet 49827, MedGen C0342287, MONDO:0009575, OMIM 249270.

Allele frequency attached by ClinVar (database versions not stated): gnomAD exomes below 0.00001 and 0.00001; ExAC 0.00001.

Submissions (5):

3billion
Classification: Pathogenic for Megaloblastic anemia, thiamine-responsive, with diabetes mellitus and sensorineural deafness. Last evaluated: 2025-02-10. Review status: criteria provided, single submitter. Criteria: ACMG Guidelines, 2015. Collection method: clinical testing. Allele origin: germline. Affected: yes.
Comment: The variant is observed at an extremely low frequency in the gnomAD v4.1.0 dataset (total allele frequency: <0.001%). Predicted Consequence/Location: Stop-gained (nonsense): predicted to result in a loss or disruption of normal protein function through nonsense-mediated decay (NMD) or protein truncation. Multiple pathogenic variants are reported downstream of the variant. The variant has been reported to be associated with SLC19A2-related disorder (ClinVar ID: VCV000005955 /PMID: 10391221). Therefore, this variant is classified as Pathogenic according to the recommendation of ACMG/AMP guideline.

Labcorp Genetics (formerly Invitae), Labcorp
Classification: Pathogenic. Last evaluated: 2025-01-22. Review status: criteria provided, single submitter. Criteria: Invitae Variant Classification Sherloc (09022015). Collection method: clinical testing. Allele origin: germline.
Comment: This sequence change creates a premature translational stop signal (p.Arg162*) in the SLC19A2 gene. It is expected to result in an absent or disrupted protein product. Loss-of-function variants in SLC19A2 are known to be pathogenic (PMID: 10391221, 10391223, 10874303). This variant is present in population databases (rs74315373, gnomAD 0.0009%). This premature translational stop signal has been observed in individual(s) with thiamine-responsive megaloblastic anemia syndrome (PMID: 10391221). ClinVar contains an entry for this variant (Variation ID: 5955). For these reasons, this variant has been classified as Pathogenic.

Revvity Omics, Revvity
Classification: Pathogenic for Megaloblastic anemia, thiamine-responsive, with diabetes mellitus and sensorineural deafness. Last evaluated: 2023-08-22. Review status: criteria provided, single submitter. Criteria: ACMG Guidelines, 2015. Collection method: clinical testing. Allele origin: germline.

Blueprint Genetics
Classification: Pathogenic for SLC19A2-related disorders. Last evaluated: 2017-10-02. Review status: criteria provided, single submitter. Criteria: ACMG Guidelines, 2015. Collection method: clinical testing. Allele origin: germline. Affected: yes. Observed: 1 variant allele.

OMIM
Classification: Pathogenic for THIAMINE-RESPONSIVE MEGALOBLASTIC ANEMIA SYNDROME. Last evaluated: 1999-07-01. Review status: no assertion criteria provided. Collection method: literature only. Allele origin: germline. Not counted in ClinVar's aggregate classification.

Literature cited by the submitters: PubMed 10391221 (cited by 3 submitters); PubMed 10391223 (cited by Labcorp Genetics (formerly Invitae), Labcorp); PubMed 10874303 (cited by Labcorp Genetics (formerly Invitae), Labcorp).